The following is an entry in ClinVar:

NM_024301.5(FKRP):c.220_224dup (p.Ala76fs)

Gene: FKRP (fukutin related protein; plus strand). Cytogenetic location: 19q13.32.
Variant type: Duplication.
Coding change: c.220_224dup on transcript NM_024301.5 (MANE Select); coding-DNA positions 220 to 224, 5 bases duplicated (GACCC; older notation c.220_224dupGACCC).
Protein change: p.Ala76fs; shifts the reading frame from alanine 76.
Molecular consequence: frameshift variant.
Genome position (GRCh38, 1-based): chr19:46,755,670-46,755,674, GACCC duplicated. VCF-style (leftmost placement, unchanged base first): chr19-46755669-A-AGACCC. GRCh37 (hg19) VCF-style: chr19-47258926-A-AGACCC.
Other names: c.220_224dup, p.Ala76fs (NM_001039885.3); short protein forms A76fs.
Identifiers: ClinVar variation 5004309 (VCV005004309.1).

ClinVar aggregate classification (germline): Pathogenic (1 of 4 stars; one submission).

Conditions:
Myopathy caused by variation in FKRP. Identifiers: MedGen CN305637, MONDO:0700066.

Submission:

Myriad Genetics, Inc.
Classification: Pathogenic for Myopathy caused by variation in FKRP. Last evaluated: 2025-12-01. Review status: criteria provided, single submitter. Criteria: Myriad Autosomal Dominant, Autosomal Recessive and X-Linked Classification Criteria (2023). Collection method: clinical testing. Allele origin: unknown.
Comment: NM_024301.4(FKRP):c.220_224dup5(A76Tfs*55) is a frameshift variant classified as pathogenic in the context of FKRP-related disorders. A76Tfs*55 has not been observed in cases with relevant disease. Relevant functional assessments of this variant are not available in the literature. A76Tfs*55 has not been observed in referenced population frequency databases. In summary, NM_024301.4(FKRP):c.220_224dup5(A76Tfs*55) is a frameshift variant in a gene where loss of function is a known mechanism of disease and is predicted to disrupt protein function. Please note: this variant was assessed in the context of healthy population screening.